The following is an entry in ClinVar:

ClinVar aggregate classification (germline): Likely benign. Review status: criteria provided, multiple submitters, no conflicts (2 of 4 stars). 3 submissions from 3 submitters: Likely benign (3). Last evaluated 2025-08-18.

Conditions:
Cardiovascular phenotype. Identifiers: MedGen CN230736.
Hypertrophic cardiomyopathy 14. Identifiers: MedGen C2750467, MONDO:0013197, OMIM 613251.

Allele frequency attached by ClinVar (database versions not stated): gnomAD exomes 0.00002; gnomAD 0.00005; TOPMed 0.00005.

Submissions (3):

Labcorp Genetics (formerly Invitae), Labcorp
Classification: Likely benign for Hypertrophic cardiomyopathy 14. Last evaluated: 2025-08-18. Review status: criteria provided, single submitter. Criteria: Invitae Variant Classification Sherloc (09022015). Collection method: clinical testing. Allele origin: germline.

Ambry Genetics
Classification: Likely benign for Cardiovascular phenotype. Last evaluated: 2022-11-04. Review status: criteria provided, single submitter. Criteria: Ambry Variant Classification Scheme 2023. Collection method: clinical testing. Allele origin: germline.

GeneDx
Classification: Likely benign. Last evaluated: 2018-01-16. Review status: criteria provided, single submitter. Criteria: GeneDx Variant Classification (06012015). Collection method: clinical testing. Allele origin: germline. Affected: yes.
Comment: This variant is considered likely benign or benign based on one or more of the following criteria: it is a conservative change, it occurs at a poorly conserved position in the protein, it is predicted to be benign by multiple in silico algorithms, and/or has population frequency not consistent with disease.

NM_002471.4(MYH6):c.2721C>T (p.Cys907=)

Gene: MYH6 (myosin heavy chain 6; minus strand). Cytogenetic location: 14q11.2.
Variant type: single nucleotide variant.
Coding change: c.2721C>T on transcript NM_002471.4 (MANE Select); coding-DNA position 2721, C replaced by T.
Protein change: p.Cys907=; no amino-acid change (cysteine 907 retained).
Molecular consequence: synonymous variant.
Genome position (GRCh38, 1-based): chr14:23,393,873, G>A on the plus strand (C>T on the coding strand, the complement: MYH6 is on the minus strand). VCF-style: chr14-23393873-G-A. GRCh37 (hg19) VCF-style: chr14-23863082-G-A.
Identifiers: ClinVar variation 390112 (VCV000390112.11), dbSNP rs1014932127, ClinGen allele CA16606939.